The following is an entry in ClinVar:

ClinVar aggregate classification (germline): Uncertain significance. Review status: criteria provided, multiple submitters, no conflicts (2 of 4 stars). 2 submissions from 2 submitters: Uncertain significance (2). Last evaluated 2025-06-16.

Conditions:
Charcot-Marie-Tooth disease type 2. Also called: Charcot-Marie-Tooth type 2. Identifiers: Orphanet 64746, MedGen C0270914, MONDO:0018993.

Allele frequency attached by ClinVar (database versions not stated): gnomAD 0.00001; 1000 Genomes Project 0.00020; 1000 Genomes Project 30x 0.00016.
gnomAD v4.1: 9 of 1,558,110 alleles (0.00058%); highest among the groups gnomAD compares: East Asian, 0.0024%; no homozygotes.

Submissions (2):

Mayo Clinic Laboratories, Mayo Clinic
Classification: Uncertain significance. Last evaluated: 2025-06-16. Review status: criteria provided, single submitter. Criteria: ACMG Guidelines, 2015. Collection method: clinical testing. Allele origin: germline. Observed: 1 variant allele.
Comment: BP4_moderate, PM2_supporting

Labcorp Genetics (formerly Invitae), Labcorp
Classification: Uncertain significance for Charcot-Marie-Tooth disease type 2. Last evaluated: 2020-11-19. Review status: criteria provided, single submitter. Criteria: Invitae Variant Classification Sherloc (09022015). Collection method: clinical testing. Allele origin: germline.
Comment: Algorithms developed to predict the effect of missense changes on protein structure and function output the following: SIFT: "Tolerated"; PolyPhen-2: "Benign"; Align-GVGD: "Class C0". The arginine amino acid residue is found in multiple mammalian species, suggesting that this missense change does not adversely affect protein function. These predictions have not been confirmed by published functional studies and their clinical significance is uncertain. In summary, the available evidence is currently insufficient to determine the role of this variant in disease. Therefore, it has been classified as a Variant of Uncertain Significance. This variant has not been reported in the literature in individuals with GARS-related conditions. The frequency data for this variant in the population databases is considered unreliable, as metrics indicate insufficient coverage at this position in the ExAC database. This sequence change replaces proline with arginine at codon 43 of the GARS protein (p.Pro43Arg). The proline residue is weakly conserved and there is a moderate physicochemical difference between proline and arginine.

NM_002047.4(GARS1):c.128C>G (p.Pro43Arg)

Gene: GARS1 (glycyl-tRNA synthetase 1; plus strand). Cytogenetic location: 7p14.3.
Variant type: single nucleotide variant.
Coding change: c.128C>G on transcript NM_002047.4 (MANE Select); coding-DNA position 128, C replaced by G.
Protein change: p.Pro43Arg; replaces proline 43 with arginine.
Molecular consequence: missense variant. On other transcripts: 5 prime UTR variant (1).
Genome position (GRCh38, 1-based): chr7:30,595,049, C>G. VCF-style: chr7-30595049-C-G. GRCh37 (hg19) VCF-style: chr7-30634665-C-G.
Other names: p.Pro43Arg; c.-35C>G (NM_001316772.1); short protein forms P43R.
Identifiers: ClinVar variation 1680881 (VCV001680881.9), dbSNP rs570608946, ClinGen allele CA156096412.